The following is an entry in ClinVar:

NM_006397.3(RNASEH2A):c.635A>G (p.Asn212Ser)

Gene: RNASEH2A (ribonuclease H2 subunit A; plus strand). Cytogenetic location: 19p13.13.
Variant type: single nucleotide variant.
Coding change: c.635A>G on transcript NM_006397.3 (MANE Select); coding-DNA position 635, A replaced by G.
Protein change: p.Asn212Ser; replaces asparagine 212 with serine.
Molecular consequence: missense variant.
Genome position (GRCh38, 1-based): chr19:12,810,402, A>G. VCF-style: chr19-12810402-A-G. GRCh37 (hg19) VCF-style: chr19-12921216-A-G.
Other names: c.635A>G (NM_006397.2); short protein forms N212S.
Identifiers: ClinVar variation 1007176 (VCV001007176.7), dbSNP rs377244188, ClinGen allele CA9231972.
Genomic context (GRCh38, chr19:12,810,402, plus strand): 5'-AATGGCAGTTCGTGGAGAAACTGCAGGACTTGGATACTGATTATGGCTCAGGCTACCCCA[A>G]TGGTGAGCAGACACGTGACCATGGTACTAATGTTGAAATGGCCAGGGCTGAGCACACTTC-3'
Protein context (NP_006388.2, residues 202-222): LDTDYGSGYP[Asn212Ser]DPKTKAWLKE

ClinVar aggregate classification (germline): Uncertain significance. Review status: criteria provided, multiple submitters, no conflicts (2 of 4 stars). 3 submissions from 3 submitters: Uncertain significance (3). Last evaluated 2022-09-27.

Conditions:
Aicardi-Goutieres syndrome 4. Identifiers: Orphanet 51, MedGen C1835912, MONDO:0012472, OMIM 610333.
Inborn genetic diseases. Identifiers: MedGen C0950123, MeSH D030342.

Allele frequency attached by ClinVar (database versions not stated): TOPMed 0.00006; ESP Exome Variant Server 0.00008.

Submissions (3):

Labcorp Genetics (formerly Invitae), Labcorp
Classification: Uncertain significance for Aicardi-Goutieres syndrome 4. Last evaluated: 2022-09-27. Review status: criteria provided, single submitter. Criteria: Invitae Variant Classification Sherloc (09022015). Collection method: clinical testing. Allele origin: germline.
Comment: This sequence change replaces asparagine, which is neutral and polar, with serine, which is neutral and polar, at codon 212 of the RNASEH2A protein (p.Asn212Ser). This variant is present in population databases (rs377244188, gnomAD 0.03%). This variant has not been reported in the literature in individuals affected with RNASEH2A-related conditions. ClinVar contains an entry for this variant (Variation ID: 1007176). Algorithms developed to predict the effect of missense changes on protein structure and function (SIFT, PolyPhen-2, Align-GVGD) all suggest that this variant is likely to be tolerated. Algorithms developed to predict the effect of sequence changes on RNA splicing suggest that this variant may create or strengthen a splice site. In summary, the available evidence is currently insufficient to determine the role of this variant in disease. Therefore, it has been classified as a Variant of Uncertain Significance.

Fulgent Genetics
Classification: Uncertain significance for Aicardi-Goutieres syndrome 4. Last evaluated: 2022-04-26. Review status: criteria provided, single submitter. Criteria: ACMG Guidelines, 2015. Collection method: clinical testing. Allele origin: unknown.

Ambry Genetics
Classification: Uncertain significance for Inborn genetic diseases. Last evaluated: 2021-03-25. Review status: criteria provided, single submitter. Criteria: Ambry Variant Classification Scheme 2023. Collection method: clinical testing. Allele origin: germline.